The following is an entry in ClinVar:

ClinVar aggregate classification (germline): Uncertain significance. Review status: criteria provided, multiple submitters, no conflicts (2 of 4 stars). 2 submissions from 2 submitters: Uncertain significance (2). Last evaluated 2024-08-01.

Allele frequency attached by ClinVar (database versions not stated): gnomAD exomes 0.00004; gnomAD 0.00005; TOPMed 0.00005; ExAC 0.00006; 1000 Genomes Project 30x 0.00016; 1000 Genomes Project 0.00020.
gnomAD v4.1: 69 of 1,613,186 alleles (0.0043%); highest among the groups gnomAD compares: South Asian, 0.0088%; no homozygotes.

Submissions (2):

GeneDx
Classification: Uncertain significance. Last evaluated: 2024-08-01. Review status: criteria provided, single submitter. Criteria: GeneDx Variant Classification Process June 2021. Collection method: clinical testing. Allele origin: germline. Affected: yes.
Comment: In silico analysis supports that this missense variant has a deleterious effect on protein structure/function; Has not been previously published as pathogenic or benign to our knowledge

Labcorp Genetics (formerly Invitae), Labcorp
Classification: Uncertain significance. Last evaluated: 2022-10-24. Review status: criteria provided, single submitter. Criteria: Invitae Variant Classification Sherloc (09022015). Collection method: clinical testing. Allele origin: germline.
Comment: This sequence change replaces arginine, which is basic and polar, with histidine, which is basic and polar, at codon 702 of the MYO7A protein (p.Arg702His). This variant is present in population databases (rs555579952, gnomAD 0.01%). This variant has not been reported in the literature in individuals affected with MYO7A-related conditions. Advanced modeling of protein sequence and biophysical properties (such as structural, functional, and spatial information, amino acid conservation, physicochemical variation, residue mobility, and thermodynamic stability) performed at Invitae indicates that this missense variant is not expected to disrupt MYO7A protein function. In summary, the available evidence is currently insufficient to determine the role of this variant in disease. Therefore, it has been classified as a Variant of Uncertain Significance.

NM_000260.4(MYO7A):c.2105G>A (p.Arg702His)

Gene: MYO7A (myosin VIIA; plus strand). Cytogenetic location: 11q13.5.
Variant type: single nucleotide variant.
Coding change: c.2105G>A on transcript NM_000260.4 (MANE Select); coding-DNA position 2105, G replaced by A.
Protein change: p.Arg702His; replaces arginine 702 with histidine.
Molecular consequence: missense variant.
Genome position (GRCh38, 1-based): chr11:77,175,382, G>A. VCF-style: chr11-77175382-G-A. GRCh37 (hg19) VCF-style: chr11-76886428-G-A.
Other names: c.2105G>A, p.Arg702His (NM_001127180.2); c.2072G>A, p.Arg691His (NM_001369365.1); c.2105G>A (NM_000260.3); short protein forms R691H, R702H.
Identifiers: ClinVar variation 2144044 (VCV002144044.2), dbSNP rs555579952, ClinGen allele CA6197707.